The following is an entry in ClinVar:

NM_020759.3(STARD9):c.7008del (p.Pro2336_Leu2337insTer)

Gene: STARD9 (StAR related lipid transfer domain containing 9; plus strand). Cytogenetic location: 15q15.2.
Variant type: Deletion.
Coding change: c.7008del on transcript NM_020759.3 (MANE Select); coding-DNA position 7008, one base deleted (C; older notation c.7008delC).
Protein change: p.Pro2336_Leu2337insTer.
Molecular consequence: frameshift variant.
Genome position (GRCh38, 1-based): chr15:42,688,586, C deleted; the last of 3 consecutive C bases (chr15:42,688,584-42,688,586); deleting any one gives the same sequence. VCF-style (leftmost placement, unchanged base first): chr15-42688583-GC-G. GRCh37 (hg19) VCF-style: chr15-42980781-GC-G.
Identifiers: ClinVar variation 2429474 (VCV002429474.1), dbSNP rs1566940949, ClinGen allele CA618001963.

ClinVar aggregate classification (germline): Uncertain significance (1 of 4 stars; one submission).

Conditions:
Global developmental delay (DD). Also called: Cognitive delay. Identifiers: MedGen C0557874, HP:0001263. Disease mechanism: loss of function.
Seizure. Also called: Seizures. Identifiers: MedGen C0036572, HP:0001250.

Submission:

Neuberg Centre For Genomic Medicine, NCGM
Classification: Uncertain significance for Seizure; Global developmental delay. Review status: criteria provided, single submitter. Criteria: ACMG Guidelines, 2015. Collection method: clinical testing. Allele origin: germline. Affected: yes.
Comment: The frameshift deletion p.L2337fs in STARD9 (NM_020759.3) has not been reported previously as a pathogenic variant nor as a benign variant, to our knowledge. The p.L2337fs variant is observed in 3/22,728 (0.0132%) alleles from individuals of South Asian background in gnomAD Exomes and is novel (not in any individuals) in 1000 Genomes. This variant is predicted to cause loss of normal protein function through protein truncation caused a frameshift mutation. The frame shifted sequence continues fs residues until a stop codon is reached. For these reasons, this variant has been classified as Uncertain Significance (VUS).